The following is an entry in ClinVar:

ClinVar aggregate classification (germline): Uncertain significance. Review status: criteria provided, multiple submitters, no conflicts (2 of 4 stars). 3 submissions from 3 submitters: Uncertain significance (3). Last evaluated 2025-05-14.

Allele frequency attached by ClinVar (database versions not stated): gnomAD 0.00010 and 0.00013; gnomAD exomes 0.00011 and 0.00014; ESP Exome Variant Server 0.00012; 1000 Genomes Project 0.00020; ExAC 0.00020; 1000 Genomes Project 30x 0.00031.
gnomAD v4.1: 177 of 1,613,056 alleles (0.011%); highest among the groups gnomAD compares: Non-Finnish European, 0.012%; no homozygotes.

Submissions (3):

Mayo Clinic Laboratories, Mayo Clinic
Classification: Uncertain significance. Last evaluated: 2025-05-14. Review status: criteria provided, single submitter. Criteria: ACMG Guidelines, 2015. Collection method: clinical testing. Allele origin: germline. Observed: 1 variant allele.
Comment: BP4_moderate

Blueprint Genetics
Classification: Uncertain significance. Last evaluated: 2024-11-21. Review status: criteria provided, single submitter. Criteria: ACMG Guidelines, 2015. Collection method: clinical testing. Allele origin: germline.

Labcorp Genetics (formerly Invitae), Labcorp
Classification: Uncertain significance. Last evaluated: 2022-10-18. Review status: criteria provided, single submitter. Criteria: Invitae Variant Classification Sherloc (09022015). Collection method: clinical testing. Allele origin: germline.
Comment: This sequence change replaces aspartic acid, which is acidic and polar, with asparagine, which is neutral and polar, at codon 499 of the C2 protein (p.Asp499Asn). This variant is present in population databases (rs149378221, gnomAD 0.03%). This variant has not been reported in the literature in individuals affected with C2-related conditions. ClinVar contains an entry for this variant (Variation ID: 1446728). Advanced modeling of protein sequence and biophysical properties (such as structural, functional, and spatial information, amino acid conservation, physicochemical variation, residue mobility, and thermodynamic stability) performed at Invitae indicates that this missense variant is not expected to disrupt C2 protein function. In summary, the available evidence is currently insufficient to determine the role of this variant in disease. Therefore, it has been classified as a Variant of Uncertain Significance.

NM_000063.6(C2):c.1495G>A (p.Asp499Asn)

Gene: C2 (complement C2; plus strand). Cytogenetic location: 6p21.33.
Variant type: single nucleotide variant.
Coding change: c.1495G>A on transcript NM_000063.6 (MANE Select); coding-DNA position 1495, G replaced by A.
Protein change: p.Asp499Asn; replaces aspartic acid 499 with asparagine.
Molecular consequence: missense variant.
Genome position (GRCh38, 1-based): chr6:31,943,455, G>A. VCF-style: chr6-31943455-G-A. GRCh37 (hg19) VCF-style: chr6-31911232-G-A.
Other names: p.Asp499Asn; c.1099G>A, p.Asp367Asn (NM_001145903.3); c.853G>A, p.Asp285Asn (NM_001178063.3); c.757G>A, p.Asp253Asn (NM_001282457.2); c.1408G>A, p.Asp470Asn (NM_001282458.2); short protein forms D253N, D285N, D470N, D367N, D499N.
Identifiers: ClinVar variation 1446728 (VCV001446728.7), dbSNP rs149378221, ClinGen allele CA3727721.